The following is an entry in ClinVar:

ClinVar aggregate classification (germline): Uncertain significance (1 of 4 stars; one submission).

Conditions:
Neuronal ceroid lipofuscinosis. Also called: Neuronal Ceroid Lipofuscinoses. Identifiers: Orphanet 216, Orphanet 79263, MedGen C0027877, MONDO:0016295. Disease mechanism: loss of function.

Allele frequency attached by ClinVar (database versions not stated): gnomAD exomes below 0.00001.

Submission:

Labcorp Genetics (formerly Invitae), Labcorp
Classification: Uncertain significance for Neuronal ceroid lipofuscinosis. Last evaluated: 2024-12-16. Review status: criteria provided, single submitter. Criteria: Invitae Variant Classification Sherloc (09022015). Collection method: clinical testing. Allele origin: germline.
Comment: This sequence change replaces serine, which is neutral and polar, with threonine, which is neutral and polar, at codon 39 of the CLN5 protein (p.Ser39Thr). This variant is present in population databases (no rsID available, gnomAD 0.009%). This variant has not been reported in the literature in individuals affected with CLN5-related conditions. ClinVar contains an entry for this variant (Variation ID: 1398562). An algorithm developed to predict the effect of missense changes on protein structure and function (PolyPhen-2) suggests that this variant is likely to be tolerated. In summary, the available evidence is currently insufficient to determine the role of this variant in disease. Therefore, it has been classified as a Variant of Uncertain Significance.

NC_000013.11:g.76992066T>A

Gene: CLN5 (CLN5 lysosomal BMP synthase; plus strand). Cytogenetic location: 13q22.3.
Variant type: single nucleotide variant.
Genome position: GRCh38 VCF-style: chr13-76992066-T-A. GRCh37 (hg19) VCF-style: chr13-77566201-T-A.
Identifiers: ClinVar variation 1398562 (VCV001398562.6), dbSNP rs1223625391, ClinGen allele CA388306051.